The following is an entry in ClinVar:

NM_002232.5(KCNA3):c.1300G>A (p.Ala434Thr)

Gene: KCNA3 (potassium voltage-gated channel subfamily A member 3; minus strand). Cytogenetic location: 1p13.3.
Variant type: single nucleotide variant.
Coding change: c.1300G>A on transcript NM_002232.5 (MANE Select); coding-DNA position 1300, G replaced by A.
Protein change: p.Ala434Thr; replaces alanine 434 with threonine.
Molecular consequence: missense variant.
Genome position (GRCh38, 1-based): chr1:110,673,510, C>T on the plus strand (G>A on the coding strand, the complement: KCNA3 is on the minus strand). VCF-style: chr1-110673510-C-T. GRCh37 (hg19) VCF-style: chr1-111216132-C-T.
Other names: short protein forms A434T.
Identifiers: ClinVar variation 4074689 (VCV004074689.1).

ClinVar aggregate classification (germline): Uncertain significance (1 of 4 stars; one submission).

Submission:

GeneDx
Classification: Uncertain significance. Last evaluated: 2025-02-07. Review status: criteria provided, single submitter. Criteria: GeneDx Variant Classification Process June 2021. Collection method: clinical testing. Allele origin: germline. Affected: yes.
Comment: Not observed at significant frequency in large population cohorts (gnomAD); In silico analysis supports that this missense variant has a deleterious effect on protein structure/function; Has not been previously published as pathogenic or benign to our knowledge